The following is an entry in ClinVar:

NM_001999.4(FBN2):c.7012+7G>A

Gene: FBN2 (fibrillin 2; minus strand). Cytogenetic location: 5q23.3.
Variant type: single nucleotide variant.
Coding change: c.7012+7G>A on transcript NM_001999.4 (MANE Select); 7 bases into the intron after coding-DNA position 7012, G replaced by A.
Molecular consequence: intron variant.
Genome position (GRCh38, 1-based): chr5:128,286,711, C>T on the plus strand (G>A on the coding strand, the complement: FBN2 is on the minus strand). VCF-style: chr5-128286711-C-T. GRCh37 (hg19) VCF-style: chr5-127622403-C-T.
Identifiers: ClinVar variation 213249 (VCV000213249.62), dbSNP rs199735209, ClinGen allele CA322990.

ClinVar aggregate classification (germline): Benign/Likely benign. Review status: criteria provided, multiple submitters, no conflicts (2 of 4 stars). 14 submissions from 14 submitters: Benign (3); Likely benign (7). 4 of the submissions do not count toward it. Last evaluated 2026-02-01.

Conditions:
FBN2-related disorder. Also called: FBN2-related condition.
Ehlers-Danlos syndrome (EDS). Identifiers: Orphanet 98249, MedGen C0013720, MONDO:0020066.
Congenital contractural arachnodactyly (CCA). Also called: BEALS SYNDROME; Beals-Hecht syndrome; Arthrogryposis, distal, type 9. Identifiers: Orphanet 115, MedGen C0220668, MONDO:0007363, OMIM 121050.

Allele frequency attached by ClinVar (database versions not stated): 1000 Genomes Project 30x 0.00016; 1000 Genomes Project 0.00020; gnomAD 0.00040 and 0.00042; ExAC 0.00041; TOPMed 0.00047; ESP Exome Variant Server 0.00062.
gnomAD v4.1: 1,031 of 1,613,880 alleles (0.064%); highest among the groups gnomAD compares: Non-Finnish European, 0.082%; no homozygotes.

Submissions (14):

Labcorp Genetics (formerly Invitae), Labcorp
Classification: Likely benign for Congenital contractural arachnodactyly. Last evaluated: 2026-02-01. Review status: criteria provided, single submitter. Criteria: Invitae Variant Classification Sherloc (09022015). Collection method: clinical testing. Allele origin: germline.

ARUP Laboratories, Molecular Genetics and Genomics, ARUP Laboratories
Classification: Likely benign. Last evaluated: 2025-07-23. Review status: criteria provided, single submitter. Criteria: ARUP Molecular Germline Variant Investigation Process 2024. Collection method: clinical testing. Allele origin: germline.

Blueprint Genetics
Classification: Likely benign. Last evaluated: 2024-11-25. Review status: criteria provided, single submitter. Criteria: ACMG Guidelines, 2015. Collection method: clinical testing. Allele origin: germline.

Women's Health and Genetics/Laboratory Corporation of America, LabCorp
Classification: Benign. Last evaluated: 2024-08-03. Review status: criteria provided, single submitter. Criteria: LabCorp Variant Classification Summary - May 2015. Collection method: clinical testing. Allele origin: germline.

CeGaT Center for Human Genetics Tuebingen
Classification: Likely benign. Last evaluated: 2023-01-01. Review status: criteria provided, single submitter. Criteria: CeGaT Center For Human Genetics Tuebingen Variant Classification Criteria Version 2. Collection method: clinical testing. Allele origin: germline. Affected: yes. Observed: 1 variant allele.
Comment: FBN2: BP4

Genome Diagnostics Laboratory, The Hospital for Sick Children
Classification: Benign for Ehlers-Danlos syndrome. Last evaluated: 2021-03-26. Review status: criteria provided, single submitter. Criteria: ACMG Guidelines, 2015. Collection method: clinical testing. Allele origin: germline.

Illumina Laboratory Services, Illumina
Classification: Likely benign for Congenital contractural arachnodactyly. Last evaluated: 2018-01-13. Review status: criteria provided, single submitter. Criteria: ICSL Variant Classification Criteria 13 December 2019. Collection method: clinical testing. Allele origin: germline.
Comment: This variant was observed in the ICSL laboratory as part of a predisposition screen in an ostensibly healthy population. It had not been previously curated by ICSL or reported in the Human Gene Mutation Database (HGMD: prior to June 1st, 2018), and was therefore a candidate for classification through an automated scoring system. Utilizing variant allele frequency, disease prevalence and penetrance estimates, and inheritance mode, an automated score was calculated to assess if this variant is too frequent to cause the disease. Based on the score and internal cut-off values, a variant classified as likely benign is not then subjected to further curation. The score for this variant resulted in a classification of likely benign for this disease.

Genome Diagnostics Laboratory, University Medical Center Utrecht
Classification: Likely benign for Congenital contractural arachnodactyly. Last evaluated: 2017-07-28. Review status: criteria provided, single submitter. Criteria: ACGS Guidelines, 2013. Collection method: clinical testing. Allele origin: germline. Affected: yes. Study: VKGL Data-share Consensus.

Clinical Genetics DNA and cytogenetics Diagnostics Lab, Erasmus MC, Erasmus Medical Center
Classification: Likely benign for Congenital contractural arachnodactyly. Last evaluated: 2017-03-31. Review status: criteria provided, single submitter. Criteria: ACGS Guidelines, 2013. Collection method: clinical testing. Allele origin: germline. Affected: yes. Study: VKGL Data-share Consensus.

GeneDx
Classification: Benign. Last evaluated: 2014-09-23. Review status: criteria provided, single submitter. Criteria: GeneDx Variant Classification (06012015). Collection method: clinical testing. Allele origin: germline. Affected: yes.
Comment: This variant is considered likely benign or benign based on one or more of the following criteria: it is a conservative change, it occurs at a poorly conserved position in the protein, it is predicted to be benign by multiple in silico algorithms, and/or has population frequency not consistent with disease.

PreventionGenetics, part of Exact Sciences
Classification: Likely benign for FBN2-related condition. Last evaluated: 2020-02-25. Review status: no assertion criteria provided. Collection method: clinical testing. Allele origin: germline. Not counted in ClinVar's aggregate classification.
Comment: This variant is classified as likely benign based on ACMG/AMP sequence variant interpretation guidelines (Richards et al. 2015 PMID: 25741868, with internal and published modifications).

Genome Diagnostics Laboratory, Amsterdam University Medical Center
Classification: Likely benign. Review status: no assertion criteria provided. Collection method: clinical testing. Allele origin: germline. Affected: yes. Study: VKGL Data-share Consensus. Not counted in ClinVar's aggregate classification.

Joint Genome Diagnostic Labs from Nijmegen and Maastricht, Radboudumc and MUMC+
Classification: Likely benign. Review status: no assertion criteria provided. Collection method: clinical testing. Allele origin: germline. Affected: yes. Study: VKGL Data-share Consensus. Not counted in ClinVar's aggregate classification.

Laboratory of Diagnostic Genome Analysis, Leiden University Medical Center (LUMC)
Classification: Likely benign. Review status: no assertion criteria provided. Collection method: clinical testing. Allele origin: germline. Affected: yes. Study: VKGL Data-share Consensus. Not counted in ClinVar's aggregate classification.